The following is an entry in ClinVar:

NM_000268.4(NF2):c.1271G>T (p.Arg424Leu)

Gene: NF2 (NF2, moesin-ezrin-radixin like (MERLIN) tumor suppressor; plus strand). Cytogenetic location: 22q12.2.
Variant type: single nucleotide variant.
Coding change: c.1271G>T on transcript NM_000268.4 (MANE Select); coding-DNA position 1271, G replaced by T.
Protein change: p.Arg424Leu; replaces arginine 424 with leucine.
Molecular consequence: missense variant. On other transcripts: non-coding transcript variant (1), intron variant (1).
Genome position (GRCh38, 1-based): chr22:29,673,417, G>T. VCF-style: chr22-29673417-G-T. GRCh37 (hg19) VCF-style: chr22-30069406-G-T.
Other names: c.1271G>T, p.Arg424Leu (NM_016418.5, NM_181825.3, NM_181832.3); c.1145G>T, p.Arg382Leu (NM_181828.3); c.1148G>T, p.Arg383Leu (NM_181829.3); c.1022G>T, p.Arg341Leu (NM_181830.3, NM_181831.3); c.448-21335G>T (NM_181833.3); short protein forms R424L, R382L, R341L, R383L.
Identifiers: ClinVar variation 457891 (VCV000457891.15), dbSNP rs751182657, ClinGen allele CA029388.

ClinVar aggregate classification (germline): Conflicting classifications of pathogenicity. Review status: criteria provided, conflicting classifications (1 of 4 stars). 3 submissions from 3 submitters: Uncertain significance (1); Benign (1); Likely benign (1). Last evaluated 2025-12-23.

Conditions:
Hereditary cancer-predisposing syndrome. Also called: Neoplastic Syndromes, Hereditary; Tumor predisposition; Hereditary neoplastic syndrome; Hereditary Cancer Syndrome. Identifiers: Orphanet 140162, MedGen C0027672, MeSH D009386, MONDO:0015356.
Neurofibromatosis, type 2 (SWNV). Also called: BILATERAL ACOUSTIC NEUROFIBROMATOSIS; SCHWANNOMATOSIS, VESTIBULAR; NF2-Related Schwannomatosis. Identifiers: Orphanet 637, MedGen C0027832, MONDO:0007039, OMIM 101000. Disease mechanism: loss of function.

gnomAD v4.1: 27 of 1,612,604 alleles (0.0017%); highest among the groups gnomAD compares: Admixed American, 0.0084%; no homozygotes.

Submissions (3):

Labcorp Genetics (formerly Invitae), Labcorp
Classification: Likely benign for Neurofibromatosis, type 2. Last evaluated: 2025-12-23. Review status: criteria provided, single submitter. Criteria: Invitae Variant Classification Sherloc (09022015). Collection method: clinical testing. Allele origin: germline.

Molecular Genetics, Royal Melbourne Hospital
Classification: Uncertain significance for Neurofibromatosis, type 2. Last evaluated: 2023-04-11. Review status: criteria provided, single submitter. Criteria: ACMG Guidelines, 2015. Collection method: clinical testing. Allele origin: germline.
Comment: This sequence change in NF2 is predicted to replace arginine with leucine at codon 424, p.(Arg424Leu). The arginine residue is highly conserved (99/99 vertebrates, UCSC), and is located in a coiled-coiled domain. There is a moderate physicochemical difference between arginine and leucine. The highest population minor allele frequency in the population database gnomAD v2.1 is 0.009% (3/34,206 alleles) in the Latino/Admixed American population. To our knowledge, this variant has not been reported in the relevant scientific literature. Computational evidence is uninformative for the missense substitution (REVEL = 0.322). Based on the classification scheme RMH Modified ACMG Guidelines v1.6.1, this variant is classified as a VARIANT OF UNCERTAIN SIGNIFICANCE. Following criteria are met: none.

Ambry Genetics
Classification: Benign for Hereditary cancer-predisposing syndrome. Last evaluated: 2022-01-24. Review status: criteria provided, single submitter. Criteria: Ambry Variant Classification Scheme 2023. Collection method: clinical testing. Allele origin: germline.